The following is an entry in ClinVar:

NM_015335.5(MED13L):c.1814G>A (p.Arg605Lys)

Gene: MED13L (mediator complex subunit 13L; minus strand). Cytogenetic location: 12q24.21.
Variant type: single nucleotide variant.
Coding change: c.1814G>A on transcript NM_015335.5 (MANE Select); coding-DNA position 1814, G replaced by A.
Protein change: p.Arg605Lys; replaces arginine 605 with lysine.
Molecular consequence: missense variant.
Genome position (GRCh38, 1-based): chr12:116,008,599, C>T on the plus strand (G>A on the coding strand, the complement: MED13L is on the minus strand). VCF-style: chr12-116008599-C-T. GRCh37 (hg19) VCF-style: chr12-116446404-C-T.
Other names: c.1814G>A (NM_015335.4); short protein forms R605K.
Identifiers: ClinVar variation 2873912 (VCV002873912.4), dbSNP rs2137384488, ClinGen allele CA386895511.

ClinVar aggregate classification (germline): Uncertain significance. Review status: criteria provided, multiple submitters, no conflicts (2 of 4 stars). 2 submissions from 2 submitters: Uncertain significance (2). Last evaluated 2026-04-03.

Conditions:
Dextro-looped transposition of the great arteries. Also called: Dextrotransposition of the great arteries. Identifiers: Orphanet 860, MedGen C3531771, MONDO:0019443, OMIM 608808, HP:0031348.

Submissions (2):

GeneDx
Classification: Uncertain significance. Last evaluated: 2026-04-03. Review status: criteria provided, single submitter. Criteria: GeneDx Variant Classification Process June 2021. Collection method: clinical testing. Allele origin: germline.
Comment: Not observed at significant frequency in large population cohorts (gnomAD); In silico analysis suggests that this missense variant does not alter protein structure/function; Has not been previously published as pathogenic or benign to our knowledge

Labcorp Genetics (formerly Invitae), Labcorp
Classification: Uncertain significance for Dextro-looped transposition of the great arteries. Last evaluated: 2023-01-25. Review status: criteria provided, single submitter. Criteria: Invitae Variant Classification Sherloc (09022015). Collection method: clinical testing. Allele origin: germline.
Comment: In summary, the available evidence is currently insufficient to determine the role of this variant in disease. Therefore, it has been classified as a Variant of Uncertain Significance. Advanced modeling of protein sequence and biophysical properties (such as structural, functional, and spatial information, amino acid conservation, physicochemical variation, residue mobility, and thermodynamic stability) performed at Invitae indicates that this missense variant is not expected to disrupt MED13L protein function. This variant has not been reported in the literature in individuals affected with MED13L-related conditions. This variant is not present in population databases (gnomAD no frequency). This sequence change replaces arginine, which is basic and polar, with lysine, which is basic and polar, at codon 605 of the MED13L protein (p.Arg605Lys).